The following is an entry in ClinVar:

ClinVar aggregate classification (germline): Uncertain significance. Review status: criteria provided, multiple submitters, no conflicts (2 of 4 stars). 2 submissions from 2 submitters: Uncertain significance (2). Last evaluated 2022-09-06.

Conditions:
Inborn genetic diseases. Identifiers: MedGen C0950123, MeSH D030342.

Allele frequency attached by ClinVar (database versions not stated): gnomAD exomes 0.00002 and 0.00005; TOPMed 0.00002; ExAC 0.00003.
gnomAD v4.1: 14 of 1,614,172 alleles (0.00087%); highest among the groups gnomAD compares: Admixed American, 0.022%; no homozygotes.

Submissions (2):

Ambry Genetics
Classification: Uncertain significance for Inborn genetic diseases. Last evaluated: 2022-09-06. Review status: criteria provided, single submitter. Criteria: Ambry Variant Classification Scheme 2023. Collection method: clinical testing. Allele origin: germline.

Labcorp Genetics (formerly Invitae), Labcorp
Classification: Uncertain significance. Last evaluated: 2022-07-26. Review status: criteria provided, single submitter. Criteria: Invitae Variant Classification Sherloc (09022015). Collection method: clinical testing. Allele origin: germline.
Comment: This sequence change replaces asparagine, which is neutral and polar, with serine, which is neutral and polar, at codon 550 of the MTTP protein (p.Asn550Ser). This variant is present in population databases (rs752695211, gnomAD 0.04%). This variant has not been reported in the literature in individuals affected with MTTP-related conditions. ClinVar contains an entry for this variant (Variation ID: 1500047). Algorithms developed to predict the effect of missense changes on protein structure and function output the following: SIFT: "Tolerated"; PolyPhen-2: "Benign"; Align-GVGD: "Class C0". The serine amino acid residue is found in multiple mammalian species, which suggests that this missense change does not adversely affect protein function. Algorithms developed to predict the effect of sequence changes on RNA splicing suggest that this variant may create or strengthen a splice site. In summary, the available evidence is currently insufficient to determine the role of this variant in disease. Therefore, it has been classified as a Variant of Uncertain Significance.

NM_001386140.1(MTTP):c.1649A>G (p.Asn550Ser)

Gene: MTTP (microsomal triglyceride transfer protein; plus strand). Cytogenetic location: 4q23.
Variant type: single nucleotide variant.
Coding change: c.1649A>G on transcript NM_001386140.1 (MANE Select); coding-DNA position 1649, A replaced by G.
Protein change: p.Asn550Ser; replaces asparagine 550 with serine.
Molecular consequence: missense variant.
Genome position (GRCh38, 1-based): chr4:99,608,857, A>G. VCF-style: chr4-99608857-A-G. GRCh37 (hg19) VCF-style: chr4-100530014-A-G.
Other names: c.1649A>G, p.Asn550Ser (NM_000253.4); c.1400A>G, p.Asn467Ser (NM_001300785.2); c.1649A>G (NM_000253.2); short protein forms N467S, N550S.
Identifiers: ClinVar variation 1500047 (VCV001500047.4), dbSNP rs752695211, ClinGen allele CA3022149.